The following is an entry in ClinVar:

ClinVar aggregate classification (germline): Uncertain significance (1 of 4 stars; one submission).

Conditions:
Kohlschutter-Tonz syndrome-like. Also called: DEN HOED-DE BOER-VOISIN SYNDROME. Identifiers: MedGen C5543202, MONDO:0030990, OMIM 619229.
Developmental delay with dysmorphic facies and dental anomalies. Identifiers: MedGen C5543197, MONDO:0030988, OMIM 619228.

Submission:

GeneDx
Classification: Uncertain significance. Last evaluated: 2023-11-05. Review status: criteria provided, single submitter. Criteria: GeneDx Variant Classification Process June 2021. Collection method: clinical testing. Allele origin: germline. Affected: yes.
Comment: Not observed at significant frequency in large population cohorts (gnomAD); In silico analysis supports that this missense variant does not alter protein structure/function; Has not been previously published as pathogenic or benign to our knowledge

NM_002971.6(SATB1):c.1480A>G (p.Ile494Val)

Gene: SATB1 (SATB homeobox 1; minus strand). Cytogenetic location: 3p24.3.
Variant type: single nucleotide variant.
Coding change: c.1480A>G on transcript NM_002971.6 (MANE Select); coding-DNA position 1480, A replaced by G.
Protein change: p.Ile494Val; replaces isoleucine 494 with valine.
Molecular consequence: missense variant.
Genome position (GRCh38, 1-based): chr3:18,378,265, T>C on the plus strand (A>G on the coding strand, the complement: SATB1 is on the minus strand). VCF-style: chr3-18378265-T-C. GRCh37 (hg19) VCF-style: chr3-18419757-T-C.
Other names: c.1480A>G, p.Ile494Val (NM_001131010.4, NM_001195470.3, NM_001322871.2 and 4 more transcripts); c.1264A>G, p.Ile422Val (NM_001322876.2); short protein forms I422V, I494V.
Identifiers: ClinVar variation 3363947 (VCV003363947.2).